The following is an entry in ClinVar:

NM_182699.4(DDX53):c.694G>C (p.Asp232His)

Genes: DDX53 (DEAD-box helicase 53; plus strand), PTCHD1-AS (PTCHD1 and PHEX antisense RNA; minus strand). Cytogenetic location: Xp22.11.
Variant type: single nucleotide variant.
Coding change: c.694G>C on transcript NM_182699.4 (MANE Select); coding-DNA position 694, G replaced by C.
Protein change: p.Asp232His; replaces aspartic acid 232 with histidine.
Molecular consequence: missense variant.
Genome position (GRCh38, 1-based): chrX:23,000,751, G>C. VCF-style: chrX-23000751-G-C. GRCh37 (hg19) VCF-style: chrX-23018868-G-C.
Other names: short protein forms D232H.
Identifiers: ClinVar variation 5007997 (VCV005007997.1).

ClinVar aggregate classification (germline): Uncertain significance (1 of 4 stars; one submission).

Submission:

GeneDx
Classification: Uncertain significance. Last evaluated: 2026-02-28. Review status: criteria provided, single submitter. Criteria: GeneDx Variant Classification Process June 2021. Collection method: clinical testing. Allele origin: germline.
Comment: Not observed at significant frequency in large population cohorts (gnomAD); In silico analysis supports that this missense variant has a deleterious effect on protein structure/function; Has not been previously published as pathogenic or benign to our knowledge